The following is an entry in ClinVar:

NM_000463.3(UGT1A1):c.1305-7T>A

Genes: UGT1A7 (UDP glucuronosyltransferase family 1 member A7; plus strand), UGT1A3 (UDP glucuronosyltransferase family 1 member A3; plus strand), UGT1A4 (UDP glucuronosyltransferase family 1 member A4; plus strand), UGT1A8 (UDP glucuronosyltransferase family 1 member A8; plus strand), UGT1A5 (UDP glucuronosyltransferase family 1 member A5; plus strand) and 5 more. Cytogenetic location: 2q37.1.
Variant type: single nucleotide variant.
Coding change: c.1305-7T>A on transcript NM_000463.3 (MANE Select); 7 bases into the intron before coding-DNA position 1305, T replaced by A.
Molecular consequence: intron variant.
Genome position (GRCh38, 1-based): chr2:233,772,255, T>A. VCF-style: chr2-233772255-T-A. GRCh37 (hg19) VCF-style: chr2-234680901-T-A.
Other names: c.1305-7T>A (NM_000463.2); c.1296-7T>A (NM_019076.5, NM_019075.4, NM_021027.3 and 1 more transcripts); c.501-7T>A (NM_205862.3); c.1302-7T>A (NM_001072.4); c.1308-7T>A (NM_019078.2, NM_007120.3, NM_019093.4).
Identifiers: ClinVar variation 1965088 (VCV001965088.6), dbSNP rs1700496005, ClinGen allele CA1335896986.
Genomic context (GRCh38, chr2:233,772,255, plus strand): 5'-GAGCATAAAGAGAGGATTGTTCATACCACAGGTGTTCCAGGCATAACGAAACTGTCTTTG[T>A]GTTTAGTTACAAGGAGAACATCATGCGCCTCTCCAGCCTTCACAAGGACCGCCCGGTGGA-3'

ClinVar aggregate classification (germline): Uncertain significance. Review status: criteria provided, multiple submitters, no conflicts (2 of 4 stars). 2 submissions from 2 submitters: Uncertain significance (2). Last evaluated 2025-03-26.

Conditions:
UGT1A1-related disorder. Also called: UGT1A1-related disorders; UGT1A1-related condition.

Allele frequency attached by ClinVar (database versions not stated): TOPMed 0.00001.

Submissions (2):

PreventionGenetics, part of Exact Sciences
Classification: Uncertain significance for UGT1A1-related condition. Last evaluated: 2025-03-26. Review status: criteria provided, single submitter. Criteria: ACMG Guidelines, 2015. Collection method: clinical testing. Allele origin: germline.
Comment: The UGT1A1 c.1305-7T>A variant is predicted to interfere with splicing. This variant is predicted to impact splicing based on available splicing prediction programs (SpliceAI, Jaganathan et al. 2019. PubMed ID: 30661751; Alamut Visual v1.6.1). However, the use of computer prediction programs is not equivalent to functional evidence. To our knowledge, this variant has not been reported in the literature or in a large population database (gnomAD), indicating this variant is rare. A canonical splice variant affecting this same splice site has been reported in the compound heterozygous state in an individual affected with Crigler-Najjar syndrome type 1 (described as IVS4-1G>A in Sappal et al. 2002. PubMed ID: 11855932). At this time, the clinical significance of this variant is uncertain due to the absence of conclusive functional and genetic evidence.

Labcorp Genetics (formerly Invitae), Labcorp
Classification: Uncertain significance. Last evaluated: 2022-07-30. Review status: criteria provided, single submitter. Criteria: Invitae Variant Classification Sherloc (09022015). Collection method: clinical testing. Allele origin: germline.
Comment: In summary, the available evidence is currently insufficient to determine the role of this variant in disease. Therefore, it has been classified as a Variant of Uncertain Significance. Algorithms developed to predict the effect of sequence changes on RNA splicing suggest that this variant may create or strengthen a splice site. This variant has not been reported in the literature in individuals affected with UGT1A1-related conditions. This variant is not present in population databases (gnomAD no frequency). This sequence change falls in intron 4 of the UGT1A1 gene. It does not directly change the encoded amino acid sequence of the UGT1A1 protein.